The following is an entry in ClinVar:

ClinVar aggregate classification (germline): Uncertain significance (1 of 4 stars; one submission).

Conditions:
Kleefstra syndrome 1 (KLEFS1). Identifiers: Orphanet 261494, MedGen C0795833, MONDO:0027407, OMIM 610253.

Allele frequency attached by ClinVar (database versions not stated): gnomAD exomes below 0.00001 and 0.00001; gnomAD 0.00001; TOPMed 0.00001.
gnomAD v4.1: 11 of 1,612,840 alleles (0.00068%); highest among the groups gnomAD compares: Non-Finnish European, 0.00076%; no homozygotes.

Submission:

Labcorp Genetics (formerly Invitae), Labcorp
Classification: Uncertain significance for Kleefstra syndrome 1. Last evaluated: 2021-07-17. Review status: criteria provided, single submitter. Criteria: Invitae Variant Classification Sherloc (09022015). Collection method: clinical testing. Allele origin: germline.
Comment: This sequence change replaces glutamine with glutamic acid at codon 135 of the EHMT1 protein (p.Gln135Glu). The glutamine residue is moderately conserved and there is a small physicochemical difference between glutamine and glutamic acid. This variant is not present in population databases (ExAC no frequency). This variant has not been reported in the literature in individuals affected with EHMT1-related conditions. Algorithms developed to predict the effect of missense changes on protein structure and function (SIFT, PolyPhen-2, Align-GVGD) all suggest that this variant is likely to be tolerated. In summary, the available evidence is currently insufficient to determine the role of this variant in disease. Therefore, it has been classified as a Variant of Uncertain Significance.

NM_024757.5(EHMT1):c.403C>G (p.Gln135Glu)

Gene: EHMT1 (euchromatic histone lysine methyltransferase 1; plus strand). Cytogenetic location: 9q34.3.
Variant type: single nucleotide variant.
Coding change: c.403C>G on transcript NM_024757.5 (MANE Select); coding-DNA position 403, C replaced by G.
Protein change: p.Gln135Glu; replaces glutamine 135 with glutamic acid.
Molecular consequence: missense variant.
Genome position (GRCh38, 1-based): chr9:137,716,943, C>G. VCF-style: chr9-137716943-C-G. GRCh37 (hg19) VCF-style: chr9-140611395-C-G.
Other names: c.403C>G, p.Gln135Glu (NM_001145527.2, NM_001354263.2, NM_001354611.2); c.310C>G, p.Gln104Glu (NM_001354259.2, NM_001354612.2); short protein forms Q104E, Q135E.
Identifiers: ClinVar variation 1368039 (VCV001368039.8), dbSNP rs1046702208, ClinGen allele CA201802158.